The following is an entry in ClinVar:

NM_001261826.3(AP3D1):c.2074-178A>G

Gene: AP3D1 (adaptor related protein complex 3 subunit delta 1; minus strand). Cytogenetic location: 19p13.3.
Variant type: single nucleotide variant.
Coding change: c.2074-178A>G on transcript NM_001261826.3 (MANE Select); 178 bases into the intron before coding-DNA position 2074, A replaced by G.
Molecular consequence: intron variant.
Genome position (GRCh38, 1-based): chr19:2,115,791, T>C on the plus strand (A>G on the coding strand, the complement: AP3D1 is on the minus strand). VCF-style: chr19-2115791-T-C. GRCh37 (hg19) VCF-style: chr19-2115790-T-C.
Other names: c.2074-178A>G (NM_003938.8, NM_001374799.1).
Identifiers: ClinVar variation 1287635 (VCV001287635.3), dbSNP rs2240655, ClinGen allele CA14631268.

ClinVar aggregate classification (germline): Benign. Review status: criteria provided, multiple submitters, no conflicts (2 of 4 stars). 2 submissions from 2 submitters: Benign (2). Last evaluated 2023-11-12.

Allele frequency attached by ClinVar (database versions not stated): 1000 Genomes Project 30x 0.79013; 1000 Genomes Project 0.79712; TOPMed 0.80945; gnomAD 0.81822 and 0.81946.
gnomAD v4.1: 124,780 of 152,270 alleles (82%); highest among the groups gnomAD compares: South Asian, 87%; 51,283 homozygotes.

Submissions (2):

Unidad de Genómica Garrahan, Hospital de Pediatría Garrahan
Classification: Benign. Last evaluated: 2023-11-12. Review status: criteria provided, single submitter. Criteria: ACMG Guidelines, 2015. Collection method: clinical testing. Allele origin: germline. Affected: no. Observed: 81 variant alleles.
Comment: This variant is classified as Benign based on local population frequency. This variant was detected in 84% of patients studied by a panel of primary immunodeficiencies. Number of patients: 81. Only high quality variants are reported.

GeneDx
Classification: Benign. Last evaluated: 2018-11-10. Review status: criteria provided, single submitter. Criteria: GeneDx Variant Classification Process June 2021. Collection method: clinical testing. Allele origin: germline. Affected: yes.